The following is an entry in ClinVar:

ClinVar aggregate classification (germline): Conflicting classifications of pathogenicity. Review status: criteria provided, conflicting classifications (1 of 4 stars). 2 submissions from 2 submitters: Uncertain significance (1); Likely benign (1). Last evaluated 2024-09-20.

Conditions:
Hypercholanemia, familial 1 (FHCA1). Identifiers: Orphanet 238475, MedGen C5542604, MONDO:0031446, OMIM 607748.
Cholestasis, progressive familial intrahepatic, 4. Identifiers: Orphanet 480483, Orphanet 79304, MedGen C2931067, MONDO:0014381, OMIM 615878.

gnomAD v4.1: 8 of 1,594,358 alleles (0.0005%); highest among the groups gnomAD compares: Middle Eastern, 0.099%; no homozygotes.

Submissions (2):

3billion
Classification: Likely benign for Cholestasis, progressive familial intrahepatic, 4; Hypercholanemia, familial 1. Last evaluated: 2024-09-20. Review status: criteria provided, single submitter. Criteria: ACMG Guidelines, 2015. Collection method: clinical testing. Allele origin: germline. Affected: no.
Comment: The homozygous variant was found in patients diagnosed with another variant in a different gene, with no symptoms related to the gene containing the homozygous variant.

Labcorp Genetics (formerly Invitae), Labcorp
Classification: Uncertain significance. Last evaluated: 2021-06-09. Review status: criteria provided, single submitter. Criteria: Invitae Variant Classification Sherloc (09022015). Collection method: clinical testing. Allele origin: germline.
Comment: This sequence change replaces arginine with lysine at codon 300 of the TJP2 protein (p.Arg300Lys). The arginine residue is moderately conserved and there is a small physicochemical difference between arginine and lysine. This variant is not present in population databases (ExAC no frequency). This variant has not been reported in the literature in individuals with TJP2-related conditions. Algorithms developed to predict the effect of missense changes on protein structure and function output the following: SIFT: "Tolerated"; PolyPhen-2: "Benign"; Align-GVGD: "Class C0". The lysine amino acid residue is found in multiple mammalian species, suggesting that this missense change does not adversely affect protein function. These predictions have not been confirmed by published functional studies and their clinical significance is uncertain. In summary, the available evidence is currently insufficient to determine the role of this variant in disease. Therefore, it has been classified as a Variant of Uncertain Significance.

NM_004817.4(TJP2):c.899G>A (p.Arg300Lys)

Gene: TJP2 (tight junction protein 2; plus strand). Cytogenetic location: 9q21.11.
Variant type: single nucleotide variant.
Coding change: c.899G>A on transcript NM_004817.4 (MANE Select); coding-DNA position 899, G replaced by A.
Protein change: p.Arg300Lys; replaces arginine 300 with lysine.
Molecular consequence: missense variant.
Genome position (GRCh38, 1-based): chr9:69,221,443, G>A. VCF-style: chr9-69221443-G-A. GRCh37 (hg19) VCF-style: chr9-71836359-G-A.
Other names: c.830G>A, p.Arg277Lys (NM_001170414.2, NM_001369870.1, NM_001369871.1); c.911G>A, p.Arg304Lys (NM_001170415.1, NM_001369874.1, NM_001369875.1); c.992G>A, p.Arg331Lys (NM_001170416.2); c.899G>A, p.Arg300Lys (NM_001369872.1, NM_001369873.1, NM_201629.3); short protein forms R277K, R300K, R304K, R331K.
Identifiers: ClinVar variation 1359622 (VCV001359622.9), dbSNP rs762140391, ClinGen allele CA193353839.
Genomic context (GRCh38, chr9:69,221,443, plus strand): 5'-GGGGACCCCGAAGCCGCAGCCGCGAGCACCCGCACTCACGGAGCCCCAGCCCCGAGCCTA[G>A]GGGGCGGCCGGGGCCCATCGGGGTCCTCCTGATGAAAAGCAGAGCGAACGAAGGTAGGCA-3'
Protein context (NP_004808.2, residues 290-310): PHSRSPSPEP[Arg300Lys]GRPGPIGVLL